The following is an entry in ClinVar:

ClinVar aggregate classification (germline): Uncertain significance. Review status: criteria provided, multiple submitters, no conflicts (2 of 4 stars). 2 submissions from 2 submitters: Uncertain significance (2). Last evaluated 2025-09-19.

Conditions:
Cardiovascular phenotype. Identifiers: MedGen CN230736.
ANKRD1-related dilated cardiomyopathy. Identifiers: MedGen CN119551.

Allele frequency attached by ClinVar (database versions not stated): gnomAD 0.00001; gnomAD exomes 0.00001 and 0.00004; TOPMed 0.00001; ExAC 0.00002.
gnomAD v4.1: 12 of 1,613,684 alleles (0.00074%); highest among the groups gnomAD compares: East Asian, 0.025%; no homozygotes.

Submissions (2):

Labcorp Genetics (formerly Invitae), Labcorp
Classification: Uncertain significance for ANKRD1-related dilated cardiomyopathy. Last evaluated: 2025-09-19. Review status: criteria provided, single submitter. Criteria: Invitae Variant Classification Sherloc (09022015). Collection method: clinical testing. Allele origin: germline.
Comment: This sequence change replaces alanine, which is neutral and non-polar, with glycine, which is neutral and non-polar, at codon 243 of the ANKRD1 protein (p.Ala243Gly). This variant is present in population databases (rs756211418, gnomAD 0.06%), and has an allele count higher than expected for a pathogenic variant. This missense change has been observed in individual(s) with dilated cardiomyopathy (PMID: 31983221). ClinVar contains an entry for this variant (Variation ID: 1024868). Invitae Evidence Modeling of protein sequence and biophysical properties (such as structural, functional, and spatial information, amino acid conservation, physicochemical variation, residue mobility, and thermodynamic stability) has been performed for this missense variant. However, the output from this modeling did not meet the statistical confidence thresholds required to predict the impact of this variant on ANKRD1 protein function. In summary, the available evidence is currently insufficient to determine the role of this variant in disease. Therefore, it has been classified as a Variant of Uncertain Significance.

Ambry Genetics
Classification: Uncertain significance for Cardiovascular phenotype. Last evaluated: 2022-11-28. Review status: criteria provided, single submitter. Criteria: Ambry Variant Classification Scheme 2023. Collection method: clinical testing. Allele origin: germline.
Comment: The p.A243G variant (also known as c.728C>G), located in coding exon 7 of the ANKRD1 gene, results from a C to G substitution at nucleotide position 728. The alanine at codon 243 is replaced by glycine, an amino acid with similar properties. This amino acid position is highly conserved in available vertebrate species. In addition, the in silico prediction for this alteration is inconclusive. The evidence for this gene-disease relationship is limited; therefore, the clinical significance of this alteration is unclear.

Literature cited by the submitters: PubMed 31983221 (cited by Labcorp Genetics (formerly Invitae), Labcorp).

NM_014391.3(ANKRD1):c.728C>G (p.Ala243Gly)

Gene: ANKRD1 (ankyrin repeat domain 1; minus strand). Cytogenetic location: 10q23.31.
Variant type: single nucleotide variant.
Coding change: c.728C>G on transcript NM_014391.3 (MANE Select); coding-DNA position 728, C replaced by G.
Protein change: p.Ala243Gly; replaces alanine 243 with glycine.
Molecular consequence: missense variant.
Genome position (GRCh38, 1-based): chr10:90,915,804, G>C on the plus strand (C>G on the coding strand, the complement: ANKRD1 is on the minus strand). VCF-style: chr10-90915804-G-C. GRCh37 (hg19) VCF-style: chr10-92675561-G-C.
Other names: c.728C>G (NM_014391.2); short protein forms A243G.
Identifiers: ClinVar variation 1024868 (VCV001024868.10), dbSNP rs756211418, ClinGen allele CA5598638.